The following is an entry in ClinVar:

ClinVar aggregate classification (germline): Uncertain significance (1 of 4 stars; one submission).

Submission:

Labcorp Genetics (formerly Invitae), Labcorp
Classification: Uncertain significance. Last evaluated: 2024-09-11. Review status: criteria provided, single submitter. Criteria: Invitae Variant Classification Sherloc (09022015). Collection method: clinical testing. Allele origin: germline.
Comment: This sequence change replaces leucine, which is neutral and non-polar, with arginine, which is basic and polar, at codon 463 of the MKL1 protein (p.Leu463Arg). This variant is not present in population databases (gnomAD no frequency). This variant has not been reported in the literature in individuals affected with MKL1-related conditions. An algorithm developed to predict the effect of missense changes on protein structure and function (PolyPhen-2) suggests that this variant is likely to be disruptive. In summary, the available evidence is currently insufficient to determine the role of this variant in disease. Therefore, it has been classified as a Variant of Uncertain Significance.

NM_020831.6(MRTFA):c.1688T>G (p.Leu563Arg)

Gene: MRTFA (myocardin related transcription factor A; minus strand). Cytogenetic location: 22q13.1.
Variant type: single nucleotide variant.
Coding change: c.1688T>G on transcript NM_020831.6 (MANE Select); coding-DNA position 1688, T replaced by G.
Protein change: p.Leu563Arg; replaces leucine 563 with arginine.
Molecular consequence: missense variant.
Genome position (GRCh38, 1-based): chr22:40,419,050, A>C on the plus strand (T>G on the coding strand, the complement: MRTFA is on the minus strand). VCF-style: chr22-40419050-A-C. GRCh37 (hg19) VCF-style: chr22-40815054-A-C.
Other names: c.1388T>G, p.Leu463Arg (NM_001282660.2); c.1538T>G, p.Leu513Arg (NM_001282661.3); c.1688T>G, p.Leu563Arg (NM_001282662.3); c.1493T>G, p.Leu498Arg (NM_001318139.2); short protein forms L463R, L498R, L513R, L563R.
Identifiers: ClinVar variation 3680050 (VCV003680050.2).